The following is an entry in ClinVar:

NC_000015.9:g.(?_40987528)_(41230232_?)dup

Genes: C15orf62 (chromosome 15 open reading frame 62; plus strand), DLL4 (delta like canonical Notch ligand 4; plus strand), DNAJC17 (DnaJ heat shock protein family (Hsp40) member C17; minus strand), GCHFR (GTP cyclohydrolase I feedback regulator; plus strand), PPP1R14D (protein phosphatase 1 regulatory inhibitor subunit 14D; minus strand) and 6 more. Cytogenetic location: 15q15.1.
Variant type: Duplication.
Identifiers: ClinVar variation 2424553 (VCV002424553.3).

ClinVar aggregate classification (germline): Uncertain significance (1 of 4 stars; one submission).

Submission:

Labcorp Genetics (formerly Invitae), Labcorp
Classification: Uncertain significance. Last evaluated: 2022-06-15. Review status: criteria provided, single submitter. Criteria: Invitae Variant Classification Sherloc (09022015). Collection method: clinical testing. Allele origin: germline.
Comment: A copy number gain of the genomic region encompassing the full coding sequence of the RAD51 gene has been identified. The boundaries of this event are unknown as they extend beyond the assayed region for this gene and therefore may encompass additional genes. As the precise location of this event is unknown, it may be in tandem or it may be located elsewhere in the genome. This variant has not been reported in the literature in individuals affected with RAD51-related conditions. Experimental studies and prediction algorithms are not available or were not evaluated, and the functional significance of this variant is currently unknown. In summary, the available evidence is currently insufficient to determine the role of this variant in disease. Therefore, it has been classified as a Variant of Uncertain Significance.